The following is an entry in ClinVar:

NM_002788.4(PSMA3):c.656A>G (p.Glu219Gly)

Genes: PSMA3 (proteasome 20S subunit alpha 3; plus strand), PSMA3-AS1 (PSMA3 antisense RNA 1; minus strand). Cytogenetic location: 14q23.1.
Variant type: single nucleotide variant.
Coding change: c.656A>G on transcript NM_002788.4 (MANE Select); coding-DNA position 656, A replaced by G.
Protein change: p.Glu219Gly; replaces glutamic acid 219 with glycine.
Molecular consequence: missense variant. On other transcripts: non-coding transcript variant (1).
Genome position (GRCh38, 1-based): chr14:58,270,483, A>G. VCF-style: chr14-58270483-A-G. GRCh37 (hg19) VCF-style: chr14-58737201-A-G.
Other names: c.635A>G, p.Glu212Gly (NM_152132.3); short protein forms E212G, E219G.
Identifiers: ClinVar variation 2791923 (VCV002791923.3), dbSNP rs1890583149, ClinGen allele CA389853437.
Genomic context (GRCh38, chr14:58,270,483, plus strand): 5'-ACATAGTACATGACGAAGTTAAGGATAAAGCTTTTGAACTAGAACTCAGCTGGGTTGGTG[A>G]ATGTAAGTTATTTTTGTACATTTATTTGCCTTAGGAATGATCTGTACCACAGCTAATTTA-3'
Protein context (NP_002779.1, residues 209-229): AFELELSWVG[Glu219Gly]LTNGRHEIVP

ClinVar aggregate classification (germline): Uncertain significance (1 of 4 stars; one submission).

Submission:

Labcorp Genetics (formerly Invitae), Labcorp
Classification: Uncertain significance. Last evaluated: 2023-07-10. Review status: criteria provided, single submitter. Criteria: Invitae Variant Classification Sherloc (09022015). Collection method: clinical testing. Allele origin: germline.
Comment: An algorithm developed to predict the effect of missense changes on protein structure and function (PolyPhen-2) suggests that this variant is likely to be tolerated. In summary, the available evidence is currently insufficient to determine the role of this variant in disease. Therefore, it has been classified as a Variant of Uncertain Significance. This variant has not been reported in the literature in individuals affected with PSMA3-related conditions. This variant is not present in population databases (gnomAD no frequency). This sequence change replaces glutamic acid, which is acidic and polar, with glycine, which is neutral and non-polar, at codon 219 of the PSMA3 protein (p.Glu219Gly).